The following is an entry in ClinVar:

NM_001040142.2(SCN2A):c.3391del (p.Ser1131fs)

Gene: SCN2A (sodium voltage-gated channel alpha subunit 2; plus strand). Cytogenetic location: 2q24.3.
Variant type: Deletion.
Coding change: c.3391del on transcript NM_001040142.2 (MANE Select); coding-DNA position 3391, one base deleted (A; older notation c.3391delA).
Protein change: p.Ser1131fs; shifts the reading frame from serine 1131.
Molecular consequence: frameshift variant.
Genome position (GRCh38, 1-based): chr2:165,354,663, A deleted; the last of 3 consecutive A bases (chr2:165,354,661-165,354,663); deleting any one gives the same sequence. VCF-style (leftmost placement, unchanged base first): chr2-165354660-GA-G. GRCh37 (hg19) VCF-style: chr2-166211170-GA-G.
Other names: c.3391del, p.Ser1131fs (NM_001040143.2, NM_001371246.1, NM_001371247.1 and 1 more transcripts); c.3391delA (NM_021007.2); short protein forms S1131fs.
Identifiers: ClinVar variation 423061 (VCV000423061.4), dbSNP rs1064796203, ClinGen allele CA16617267.
Genomic context (GRCh38, chr2:165,354,660, plus strand): 5'-GGAGAATCTGACTTTGAAAATTTAAATACTGAAGAATTCAGCAGCGAGTCAGATATGGAG[GA>G]AAGCAAAGAGGTAAAAATGTTTAAATAAGGAGATATTTTGGTGTTATATAATTCTGTTGT-3'

ClinVar aggregate classification (germline): Pathogenic (1 of 4 stars; one submission).

Conditions:
Complex neurodevelopmental disorder. Identifiers: Orphanet 528084, MedGen C5568766, MONDO:0100038.

Submission:

GeneDx
Classification: Pathogenic. Last evaluated: 2017-01-30. Review status: criteria provided, single submitter. Criteria: GeneDx Variant Classification (06012015). Collection method: clinical testing. Allele origin: germline. Affected: yes.
Comment: The c.3391delA variant in the SCN2A gene has not been reported previously as a pathogenic variant nor as a benign variant, to our knowledge. The c.3391delA variant causes a frameshift starting with codon Serine 1131, changes this amino acid to an Alanine residue, and creates a premature Stop codon at position 5 of the new reading frame, denoted p.Ser1131AlafsX5. This variant is predicted to cause loss of normal protein function either through protein truncation or nonsense-mediated mRNA decay. The c.3391delA variant was not observed in approximately 6500 individuals of European and African American ancestry in the NHLBI Exome Sequencing Project, indicating it is not a common benign variant in these populations. We interpret c.3391delA as a pathogenic variant.